The following continues an entry in ClinVar:

NM_022124.6(CDH23):c.6050-9G>A

Gene: CDH23. ClinVar aggregate classification (germline): Pathogenic. Pathogenic (14).

Submissions 14 to 19 of 19:

Laboratory for Molecular Medicine, Mass General Brigham Personalized Medicine
Classification: Pathogenic for Rare genetic deafness. Last evaluated: 2015-02-03. Review status: criteria provided, single submitter. Criteria: LMM Criteria. Collection method: clinical testing. Allele origin: germline. Inheritance: Autosomal recessive inheritance. Observed: 6 variant alleles.
Comment: The c.6050-9G>A variant in CHD23 has been reported in >20 individuals with Usher syndrome who were homozygous or compound heterozygous for the variant. The vari ant segregated with disease in 3 affected relatives from 3 families (von Brederl ow 2002, Astuto 2002, Pennings 2004, Roux 2006, Ebermann 2007, Oshima 2008, Jaij o 2009, Vache 2010, Kimberling 2010, Bonnet 2011, Roux 2011, Schultz 2011, Besna rd 2014). This variant has been identified in 3/28260 European chromosomes by th e Exome Aggregation Consortium (ExAC; dbSNP rs36 7928692). Although this variant has been seen in the general population, its fre quency is low enough to be consistent with a recessive carrier frequency. This v ariant is located in the 3' splice region. In vitro functional studies provide e vidence that the c.6050-9G>A variant impacts splicing (Von Brederlow 2002, Vache 2010). In summary, this variant meets our criteria to be classified as pathogen ic for Usher syndrome in an autosomal recessive manner. ACMG/AMP codes applied: PM3_VeryStrong; PM2; PS3_Moderate; PP4.

PreventionGenetics, part of Exact Sciences
Classification: Pathogenic for CDH23-related condition. Last evaluated: 2024-08-07. Review status: no assertion criteria provided. Collection method: clinical testing. Allele origin: germline. Not counted in ClinVar's aggregate classification.
Comment: The CDH23 c.6050-9G>A variant is predicted to interfere with splicing. This variant has been reported to be causative for nonsyndromic hearing loss and Usher syndrome (von Brederlow et al. 2002. PubMed ID: 11857743; Aparisi et al. 2014. PubMed ID: 25404053; Besnard et al. 2014. PubMed ID: 24498627). In vitro characterization indicates that this variant creates a novel acceptor site and results in a frameshift causing addition of seven nucleotides in exon 46 (Valero et al. 2019. PubMed ID: 31546658). This variant is reported in 0.014% of alleles in individuals of South Asian descent in gnomAD. This variant is interpreted as pathogenic.

Clinical Genetics DNA and cytogenetics Diagnostics Lab, Erasmus MC, Erasmus Medical Center
Classification: Pathogenic. Review status: no assertion criteria provided. Collection method: clinical testing. Allele origin: germline. Affected: yes. Study: VKGL Data-share Consensus. Not counted in ClinVar's aggregate classification.

Clinical Genetics, Academic Medical Center
Classification: Pathogenic. Review status: no assertion criteria provided. Collection method: clinical testing. Allele origin: germline. Affected: yes. Study: VKGL Data-share Consensus. Not counted in ClinVar's aggregate classification.

Joint Genome Diagnostic Labs from Nijmegen and Maastricht, Radboudumc and MUMC+
Classification: Pathogenic. Review status: no assertion criteria provided. Collection method: clinical testing. Allele origin: germline. Affected: yes. Study: VKGL Data-share Consensus. Not counted in ClinVar's aggregate classification.

University of Washington Center for Mendelian Genomics, University of Washington
Classification: Likely pathogenic for non-syndromic autosomal recessive hearing loss. Review status: no assertion criteria provided. Collection method: research. Allele origin: inherited. Affected: yes. Not counted in ClinVar's aggregate classification.

Literature cited by the submitters: PubMed 11857743 (cited by 5 submitters); PubMed 12075507 (cited by 4 submitters); PubMed 17407589 (cited by 3 submitters); PubMed 18429043 (cited by Labcorp Genetics (formerly Invitae), Labcorp and Laboratory for Molecular Medicine, Mass General Brigham Personalized Medicine); PubMed 21569298 (cited by 3 submitters); PubMed 21940737 (cited by 3 submitters); PubMed 25404053 (cited by 4 submitters); PubMed 20513143 (cited by 4 submitters); PubMed 24498627 (cited by Institute of Human Genetics, Univ. Regensburg, Univ. Regensburg and Laboratory for Molecular Medicine, Mass General Brigham Personalized Medicine); PubMed 31546658 (cited by Institute of Human Genetics, Univ. Regensburg, Univ. Regensburg); PubMed 32467589 (cited by Institute of Human Genetics, Univ. Regensburg, Univ. Regensburg); PubMed 31980526 (cited by Institute of Human Genetics, Univ. Regensburg, Univ. Regensburg); PubMed 36460718 (cited by Institute of Human Genetics, Univ. Regensburg, Univ. Regensburg); PubMed 35020051 (cited by Institute of Human Genetics, Univ. Regensburg, Univ. Regensburg); PubMed 35982127 (cited by Institute of Human Genetics, Univ. Regensburg, Univ. Regensburg); PubMed 21436283 (cited by Laboratory for Molecular Medicine, Mass General Brigham Personalized Medicine); PubMed 19683999 (cited by Laboratory for Molecular Medicine, Mass General Brigham Personalized Medicine); PubMed 20613545 (cited by Laboratory for Molecular Medicine, Mass General Brigham Personalized Medicine); PubMed 15353998 (cited by Laboratory for Molecular Medicine, Mass General Brigham Personalized Medicine); PubMed 16679490 (cited by Laboratory for Molecular Medicine, Mass General Brigham Personalized Medicine); PubMed 30303587 (cited by University of Washington Center for Mendelian Genomics, University of Washington).